The following is an entry in ClinVar:

NM_000487.6(ARSA):c.338T>C (p.Leu113Pro)

Gene: ARSA (arylsulfatase A; minus strand). Cytogenetic location: 22q13.33.
Variant type: single nucleotide variant.
Coding change: c.338T>C on transcript NM_000487.6 (MANE Select); coding-DNA position 338, T replaced by C.
Protein change: p.Leu113Pro; replaces leucine 113 with proline.
Molecular consequence: missense variant.
Genome position (GRCh38, 1-based): chr22:50,627,293, A>G on the plus strand (T>C on the coding strand, the complement: ARSA is on the minus strand). VCF-style: chr22-50627293-A-G. GRCh37 (hg19) VCF-style: chr22-51065721-A-G.
Other names: c.338T>C, p.Leu113Pro (NM_001085425.3, NM_001085426.3, NM_001085427.3); c.80T>C, p.Leu27Pro (NM_001085428.3, NM_001362782.2); c.338T>C (NM_001085426.2); short protein forms L113P, L27P.
Identifiers: ClinVar variation 1066073 (VCV001066073.18), dbSNP rs777431148, ClinGen allele CA10325050.

ClinVar aggregate classification (germline): Pathogenic/Likely pathogenic. Review status: criteria provided, multiple submitters, no conflicts (2 of 4 stars). 5 submissions from 5 submitters: Pathogenic (2); Likely pathogenic (2). 1 of the submissions does not count toward it. Last evaluated 2026-01-15.

Conditions:
Metachromatic leukodystrophy (MLD). Also called: Cerebral sclerosis diffuse metachromatic form; Arylsulfatase A Deficiency; ARSA DEFICIENCY; CEREBROSIDE SULFATASE DEFICIENCY; METACHROMATIC LEUKOENCEPHALOPATHY; SULFATIDE LIPIDOSIS. Identifiers: Orphanet 512, MedGen C0023522, MONDO:0018868, OMIM 250100.

Allele frequency attached by ClinVar (database versions not stated): gnomAD exomes 0.00001 and below 0.00001; gnomAD 0.00001.
gnomAD v4.1: 5 of 1,589,840 alleles (0.00031%); highest among the groups gnomAD compares: South Asian, 0.0056%; no homozygotes.

Submissions (6):

Labcorp Genetics (formerly Invitae), Labcorp
Classification: Pathogenic for Metachromatic leukodystrophy. Last evaluated: 2026-01-15. Review status: criteria provided, single submitter. Criteria: Invitae Variant Classification Sherloc (09022015). Collection method: clinical testing. Allele origin: germline.
Comment: This sequence change replaces leucine, which is neutral and non-polar, with proline, which is neutral and non-polar, at codon 113 of the ARSA protein (p.Leu113Pro). This variant is present in population databases (rs777431148, gnomAD 0.004%). This missense change has been observed in individual(s) with clinical features of metachromatic leukodystrophy (PMID: 28799099; internal data). ClinVar contains an entry for this variant (Variation ID: 1066073). Invitae Evidence Modeling of protein sequence and biophysical properties (such as structural, functional, and spatial information, amino acid conservation, physicochemical variation, residue mobility, and thermodynamic stability) indicates that this missense variant is expected to disrupt ARSA protein function with a positive predictive value of 95%. For these reasons, this variant has been classified as Pathogenic.

Women's Health and Genetics/Laboratory Corporation of America, LabCorp
Classification: Pathogenic for Metachromatic leukodystrophy. Last evaluated: 2025-05-12. Review status: criteria provided, single submitter. Criteria: LabCorp Variant Classification Summary - May 2015. Collection method: clinical testing. Allele origin: germline.
Comment: Variant summary: ARSA c.338T>C (p.Leu113Pro) results in a non-conservative amino acid change in the encoded protein sequence. Algorithms developed to predict the effect of missense changes on protein structure and function all suggest that this variant is likely to be disruptive. The variant allele was found at a frequency of 5e-06 in 199850 control chromosomes. c.338T>C has been observed in multiple homozygous individuals affected with Metachromatic Leukodystrophy (Shahzad_2017, Moosa_2022, Abdulkareem_2023). These data indicate that the variant is very likely to be associated with disease. To our knowledge, no experimental evidence demonstrating an impact on protein function has been reported. The following publications have been ascertained in the context of this evaluation (PMID: 37359369, 35616356, 28799099). ClinVar contains an entry for this variant (Variation ID: 1066073). Based on the evidence outlined above, the variant was classified as pathogenic.

3billion
Classification: Likely pathogenic for Metachromatic leukodystrophy. Last evaluated: 2022-01-03. Review status: criteria provided, single submitter. Criteria: ACMG Guidelines, 2015. Collection method: clinical testing. Allele origin: germline. Affected: yes. Observed: 1 homozygote.
Comment: Same nucleotide change resulting in same amino acid change has been previously reported as pathogenic/likely pathogenic with strong evidence (ClinVar ID: VCV001066073, PMID:28799099, PS1_S). In silico tool predictions suggest damaging effect of the variant on gene or gene product (REVEL: 0.987, 3CNET: 0.985, PP3_P). A missense variant is a common mechanism associated with Metachromatic leukodystrophy (PP2_P). It is observed at an extremely low frequency in the gnomAD v2.1.1 dataset (total allele frequency: 0.000005, PM2_M). Therefore, this variant is classified as likely pathogenic according to the recommendation of ACMG/AMP guideline.

GeneDx
Classification: Likely pathogenic. Last evaluated: 2019-12-17. Review status: criteria provided, single submitter. Criteria: GeneDx Variant Classification Process June 2021. Collection method: clinical testing. Allele origin: germline. Affected: yes.
Comment: Not observed at a significant frequency or in the homozygous state in large population cohorts (Lek et al., 2016); In silico analysis, which includes protein predictors and evolutionary conservation, supports a deleterious effect; This variant is associated with the following publications: (PMID: 28799099)

Rare Genetic Disease Lab, Dept of Zoology, Government Postgraduate College Dargai Malakand, Higher Education Govt. of Khyber Pakhtunkhwa
Classification: Pathogenic for Metachromatic leukodystrophy. Last evaluated: 2023-02-06. Review status: no assertion criteria provided. Collection method: clinical testing. Allele origin: germline. Inheritance: Autosomal recessive inheritance. Affected: yes. Observed: 1 homozygote. Not counted in ClinVar's aggregate classification.

Gelb Laboratory, University of Washington
No classification provided (evidence only). Condition: Metachromatic leukodystrophy. Review status: no classification provided. Collection method: in vitro. Allele origin: not applicable. Functional consequence: loss of function. Not counted in ClinVar's aggregate classification.

Literature cited by the submitters: PubMed 28799099 (cited by 3 submitters); PubMed 35616356 (cited by Women's Health and Genetics/Laboratory Corporation of America, LabCorp); PubMed 37359369 (cited by Women's Health and Genetics/Laboratory Corporation of America, LabCorp); PMC 4544753 (cited by Rare Genetic Disease Lab, Dept of Zoology, Government Postgraduate College Dargai Malakand, Higher Education Govt. of Khyber Pakhtunkhwa).